The following is an entry in ClinVar:

NM_006648.4(WNK2):c.4709C>A (p.Ala1570Asp)

Gene: WNK2 (WNK lysine deficient protein kinase 2; plus strand). Cytogenetic location: 9q22.31.
Variant type: single nucleotide variant.
Coding change: c.4709C>A on transcript NM_006648.4 (MANE Select); coding-DNA position 4709, C replaced by A.
Protein change: p.Ala1570Asp; replaces alanine 1570 with aspartic acid.
Molecular consequence: missense variant.
Genome position (GRCh38, 1-based): chr9:93,289,463, C>A. VCF-style: chr9-93289463-C-A. GRCh37 (hg19) VCF-style: chr9-96051745-C-A.
Other names: c.4820C>A, p.Ala1607Asp (NM_001282394.3); short protein forms A1570D, A1607D.
Identifiers: ClinVar variation 4605265 (VCV004605265.1).

ClinVar aggregate classification (germline): Uncertain significance (1 of 4 stars; one submission).

gnomAD v4.1: 1 of 1,612,558 alleles (0.000062%); highest among the groups gnomAD compares: Non-Finnish European, 0.000085%; no homozygotes.

Submission:

Ambry Genetics
Classification: Uncertain significance. Last evaluated: 2025-10-16. Review status: criteria provided, single submitter. Criteria: Ambry Variant Classification Scheme 2023. Collection method: clinical testing. Allele origin: germline.
Comment: The p.A1570D variant (also known as c.4709C>A), located in coding exon 19 of the WNK2 gene, results from a C to A substitution at nucleotide position 4709. The alanine at codon 1570 is replaced by aspartic acid, an amino acid with dissimilar properties. This amino acid position is conserved. In addition, the in silico prediction for this alteration is inconclusive. Based on the available evidence, the clinical significance of this variant remains unclear.